The following is an entry in ClinVar:

NM_000122.2(ERCC3):c.*177A>G

Gene: ERCC3 (ERCC excision repair 3, TFIIH core complex helicase subunit; minus strand). Cytogenetic location: 2q14.3.
Variant type: single nucleotide variant.
Coding change: c.*177A>G on transcript NM_000122.2 (MANE Select); 177 bases downstream of the stop codon, A replaced by G.
Molecular consequence: 3 prime UTR variant.
Genome position (GRCh38, 1-based): chr2:127,257,419, T>C on the plus strand (A>G on the coding strand, the complement: ERCC3 is on the minus strand). VCF-style: chr2-127257419-T-C. GRCh37 (hg19) VCF-style: chr2-128014995-T-C.
Other names: c.*177A>G (NM_001303416.2, NM_001303418.2).
Identifiers: ClinVar variation 331070 (VCV000331070.6), dbSNP rs4150525, ClinGen allele CA10612079.
Genomic context (GRCh38, chr2:127,257,419, plus strand): 5'-TATATACAGAAATGACCCCACTCCCCAAAAAGTTTGAAAAAATATTGTCTCCTCCTCCTT[T>C]ATAAAACCCTAGATGACCTATGAAGGCACAGCCAAGCCCTTGATGCATCTTCCTCAGCAC-3'

ClinVar aggregate classification (germline): Benign. Review status: criteria provided, multiple submitters, no conflicts (2 of 4 stars). 2 submissions from 2 submitters: Benign (2). Last evaluated 2018-01-12.

Conditions:
Xeroderma pigmentosum group B. Also called: XPB/CS; XERODERMA PIGMENTOSUM B/COCKAYNE SYNDROME; ERCC3-Related Xeroderma Pigmentosum; XP, GROUP B. Identifiers: MedGen C0268136, MONDO:0012531, OMIM 610651.

Allele frequency attached by ClinVar (database versions not stated): gnomAD exomes 0.00119; gnomAD 0.00151 and 0.00162; TOPMed 0.00224; 1000 Genomes Project 0.00399; 1000 Genomes Project 30x 0.00484.
gnomAD v4.1: 985 of 781,478 alleles (0.13%); highest among the groups gnomAD compares: Admixed American, 1.8%; 15 homozygotes.

Submissions (2):

Illumina Laboratory Services, Illumina
Classification: Benign for Xeroderma pigmentosum group B. Last evaluated: 2018-01-12. Review status: criteria provided, single submitter. Criteria: ICSL Variant Classification Criteria 13 December 2019. Collection method: clinical testing. Allele origin: germline.
Comment: This variant was observed in the ICSL laboratory as part of a predisposition screen in an ostensibly healthy population. It had not been previously curated by ICSL or reported in the Human Gene Mutation Database (HGMD: prior to June 1st, 2018), and was therefore a candidate for classification through an automated scoring system. Utilizing variant allele frequency, disease prevalence and penetrance estimates, and inheritance mode, an automated score was calculated to assess if this variant is too frequent to cause the disease. Based on the score and internal cut-off values, a variant classified as benign is not then subjected to further curation. The score for this variant resulted in a classification of benign for this disease.

Breakthrough Genomics
Classification: Benign. Review status: criteria provided, single submitter. Criteria: ACMG Guidelines, 2015. Collection method: not provided. Allele origin: germline. Inheritance: Autosomal recessive inheritance. Affected: yes.